The following is an entry in ClinVar:

NM_003900.5(SQSTM1):c.888G>T (p.Pro296=)

Gene: SQSTM1 (sequestosome 1; plus strand). Cytogenetic location: 5q35.3.
Variant type: single nucleotide variant.
Coding change: c.888G>T on transcript NM_003900.5 (MANE Select); coding-DNA position 888, G replaced by T.
Protein change: p.Pro296=; no amino-acid change (proline 296 retained).
Molecular consequence: synonymous variant.
Genome position (GRCh38, 1-based): chr5:179,833,165, G>T. VCF-style: chr5-179833165-G-T. GRCh37 (hg19) VCF-style: chr5-179260165-G-T.
Other names: c.636G>T, p.Pro212= (NM_001142298.2, NM_001142299.2); c.888G>T (NM_003900.4).
Identifiers: ClinVar variation 1103001 (VCV001103001.11), dbSNP rs148984239, ClinGen allele CA3600714.
Genomic context (GRCh38, chr5:179,833,165, plus strand): 5'-CAGCACAGAGGAGAAGAGCAGCTCACAGCCAAGCAGCTGCTGCTCTGACCCCAGCAAGCC[G>T]GGTGGGAATGTTGAGGGCGCCACGCAGTCTCTGGCGGAGCAGATGAGGAAGATCGCCTTG-3'
Protein context (NP_003891.1, residues 286-306): PSSCCSDPSK[Pro296=]GGNVEGATQS

ClinVar aggregate classification (germline): Likely benign. Review status: criteria provided, single submitter (1 of 4 stars). 2 submissions from 2 submitters: Likely benign (1). 1 of the submissions does not count toward it. Last evaluated 2025-06-12.

Conditions:
Frontotemporal dementia and/or amyotrophic lateral sclerosis 1 (FTDALS1). Also called: C9orf72 Frontotemporal Dementia and/or Amyotrophic Lateral Sclerosis; Frontotemporal dementia with motor neuron disease 1. Identifiers: Orphanet 275872, MedGen C5779877, MONDO:0007105, OMIM 105550.
Paget disease of bone 2, early-onset (PDB2). Also called: Paget disease of bone 2. Identifiers: MedGen C4085251, MONDO:0011183, OMIM 602080.
SQSTM1-related disorder. Also called: SQSTM1-Related Disorders.

gnomAD v4.1: 57 of 1,613,940 alleles (0.0035%); highest among the groups gnomAD compares: Middle Eastern, 0.016%; no homozygotes.

Submissions (2):

Labcorp Genetics (formerly Invitae), Labcorp
Classification: Likely benign for Paget disease of bone 2, early-onset; Frontotemporal dementia and/or amyotrophic lateral sclerosis 1. Last evaluated: 2025-06-12. Review status: criteria provided, single submitter. Criteria: Invitae Variant Classification Sherloc (09022015). Collection method: clinical testing. Allele origin: germline.

PreventionGenetics, part of Exact Sciences
Classification: Likely benign for SQSTM1-related condition. Last evaluated: 2024-01-16. Review status: no assertion criteria provided. Collection method: clinical testing. Allele origin: germline. Not counted in ClinVar's aggregate classification.
Comment: This variant is classified as likely benign based on ACMG/AMP sequence variant interpretation guidelines (Richards et al. 2015 PMID: 25741868, with internal and published modifications).